The following is an entry in ClinVar:

NM_000035.4(ALDOB):c.1000-17T>C

Gene: ALDOB (aldolase, fructose-bisphosphate B; minus strand). Cytogenetic location: 9q31.1.
Variant type: single nucleotide variant.
Coding change: c.1000-17T>C on transcript NM_000035.4 (MANE Select); 17 bases into the intron before coding-DNA position 1000, T replaced by C.
Molecular consequence: intron variant.
Genome position (GRCh38, 1-based): chr9:101,421,921, A>G on the plus strand (T>C on the coding strand, the complement: ALDOB is on the minus strand). VCF-style: chr9-101421921-A-G. GRCh37 (hg19) VCF-style: chr9-104184203-A-G.
Other names: p.?.
Identifiers: ClinVar variation 2739444 (VCV002739444.4), dbSNP rs371630174, ClinGen allele CA5161406.

ClinVar aggregate classification (germline): Likely benign. Review status: criteria provided, multiple submitters, no conflicts (2 of 4 stars). 2 submissions from 2 submitters: Likely benign (2). Last evaluated 2025-12-30.

Conditions:
Hereditary fructosuria. Also called: Fructose intolerance; ALDOB DEFICIENCY; ALDOLASE B DEFICIENCY; FRUCTOSE-1,6-BISPHOSPHATE ALDOLASE B DEFICIENCY; FRUCTOSE-1-PHOSPHATE ALDOLASE DEFICIENCY; FRUCTOSEMIA. Identifiers: Orphanet 469, MedGen C0016751, MONDO:0009249, OMIM 229600, HP:0005973. Disease mechanism: loss of function.

Allele frequency attached by ClinVar (database versions not stated): ExAC 0.00005; ESP Exome Variant Server 0.00008; TOPMed 0.00008; gnomAD 0.00011; gnomAD exomes 0.00011.
gnomAD v4.1: 172 of 1,607,458 alleles (0.011%); highest among the groups gnomAD compares: Non-Finnish European, 0.014%; no homozygotes.

Submissions (2):

Labcorp Genetics (formerly Invitae), Labcorp
Classification: Likely benign for Hereditary fructosuria. Last evaluated: 2025-12-30. Review status: criteria provided, single submitter. Criteria: Invitae Variant Classification Sherloc (09022015). Collection method: clinical testing. Allele origin: germline.

Mayo Clinic Laboratories, Mayo Clinic
Classification: Likely benign. Last evaluated: 2025-09-03. Review status: criteria provided, single submitter. Criteria: ACMG Guidelines, 2015. Collection method: clinical testing. Allele origin: germline. Observed: 2 variant alleles.
Comment: BP4, BP7, PM2_moderate